The following is an entry in ClinVar:

NM_000222.3(KIT):c.2702A>G (p.Asp901Gly)

Gene: KIT (KIT proto-oncogene, receptor tyrosine kinase; plus strand). Cytogenetic location: 4q12.
Variant type: single nucleotide variant.
Coding change: c.2702A>G on transcript NM_000222.3 (MANE Select); coding-DNA position 2702, A replaced by G.
Protein change: p.Asp901Gly; replaces aspartic acid 901 with glycine.
Molecular consequence: missense variant.
Genome position (GRCh38, 1-based): chr4:54,737,180, A>G. VCF-style: chr4-54737180-A-G. GRCh37 (hg19) VCF-style: chr4-55603346-A-G.
Other names: c.2690A>G, p.Asp897Gly (NM_001093772.2, NM_001385292.1); c.2705A>G, p.Asp902Gly (NM_001385284.1); c.2699A>G, p.Asp900Gly (NM_001385285.1); c.2687A>G, p.Asp896Gly (NM_001385286.1); c.2693A>G, p.Asp898Gly (NM_001385288.1); c.2702A>G, p.Asp901Gly (NM_001385290.1); short protein forms D896G, D900G, D902G, D898G, D897G, D901G.
Identifiers: ClinVar variation 2133672 (VCV002133672.4), dbSNP rs1722967633, ClinGen allele CA356914188.

ClinVar aggregate classification (germline): Uncertain significance (1 of 4 stars; one submission).

Conditions:
Gastrointestinal stromal tumor. Also called: Gastrointestinal stroma tumor; Gastrointestinal stromal tumor, somatic. Identifiers: Orphanet 44890, MedGen C0238198, MeSH D046152, MONDO:0011719, OMIM 606764, HP:0100723.

Submission:

Labcorp Genetics (formerly Invitae), Labcorp
Classification: Uncertain significance for Gastrointestinal stromal tumor. Last evaluated: 2025-05-26. Review status: criteria provided, single submitter. Criteria: Invitae Variant Classification Sherloc (09022015). Collection method: clinical testing. Allele origin: germline.
Comment: This sequence change replaces aspartic acid, which is acidic and polar, with glycine, which is neutral and non-polar, at codon 901 of the KIT protein (p.Asp901Gly). This variant is not present in population databases (gnomAD no frequency). This variant has not been reported in the literature in individuals affected with KIT-related conditions. ClinVar contains an entry for this variant (Variation ID: 2133672). An algorithm developed to predict the effect of missense changes on protein structure and function (PolyPhen-2) suggests that this variant is likely to be disruptive. In summary, the available evidence is currently insufficient to determine the role of this variant in disease. Therefore, it has been classified as a Variant of Uncertain Significance.